The following is an entry in ClinVar:

ClinVar aggregate classification (germline): Benign. Review status: criteria provided, multiple submitters, no conflicts (2 of 4 stars). 2 submissions from 2 submitters: Benign (2). Last evaluated 2018-01-12.

Conditions:
Renal hypodysplasia/aplasia 1 (RHDA1). Also called: RENAL APLASIA; HEREDITARY RENAL APLASIA. Identifiers: Orphanet 411709, MedGen C1619700, MONDO:0024519, OMIM 191830.

Allele frequency attached by ClinVar (database versions not stated): ExAC 0.03146; gnomAD exomes 0.03404; gnomAD 0.06869; TOPMed 0.07809; 1000 Genomes Project 0.09525; 1000 Genomes Project 30x 0.09635.
gnomAD v4.1: 39,874 of 1,528,842 alleles (2.6%); highest among the groups gnomAD compares: African/African-American, 20%; 1,966 homozygotes.

Submissions (2):

Illumina Laboratory Services, Illumina
Classification: Benign for Renal hypodysplasia/aplasia 1. Last evaluated: 2018-01-12. Review status: criteria provided, single submitter. Criteria: ICSL Variant Classification Criteria 13 December 2019. Collection method: clinical testing. Allele origin: germline.
Comment: This variant was observed in the ICSL laboratory as part of a predisposition screen in an ostensibly healthy population. It had not been previously curated by ICSL or reported in the Human Gene Mutation Database (HGMD: prior to June 1st, 2018), and was therefore a candidate for classification through an automated scoring system. Utilizing variant allele frequency, disease prevalence and penetrance estimates, and inheritance mode, an automated score was calculated to assess if this variant is too frequent to cause the disease. Based on the score and internal cut-off values, a variant classified as benign is not then subjected to further curation. The score for this variant resulted in a classification of benign for this disease.

Breakthrough Genomics
Classification: Benign. Review status: criteria provided, single submitter. Criteria: ACMG Guidelines, 2015. Collection method: not provided. Allele origin: germline. Inheritance: Unknown mechanism. Affected: yes.

NM_006953.4(UPK3A):c.-25G>C

Genes: UPK3A (uroplakin 3A; plus strand), LOC130067680 (ATAC-STARR-seq lymphoblastoid silent region 13880; plus strand). Cytogenetic location: 22q13.31.
Variant type: single nucleotide variant.
Coding change: c.-25G>C on transcript NM_006953.4 (MANE Select); 25 bases upstream of the start codon, G replaced by C.
Molecular consequence: 5 prime UTR variant.
Genome position (GRCh38, 1-based): chr22:45,284,989, G>C. VCF-style: chr22-45284989-G-C. GRCh37 (hg19) VCF-style: chr22-45680870-G-C.
Other names: c.-25G>C (NM_001167574.2).
Identifiers: ClinVar variation 341968 (VCV000341968.7), dbSNP rs116162068, ClinGen allele CA10284251.
Genomic context (GRCh38, chr22:45,284,989, plus strand): 5'-GCAGGTGCCCTGGCAGGGACAGGTCTGGTGCCCGCGCCTGCTCGCTGGACCGCCCGCCCC[G>C]CGCTCTGGCGGCTCCTCCCGGGCGATGCCTCCGCTCTGGGCCCTGCTGGCCCTCGGCTGC-3'